The following is an entry in ClinVar:

ClinVar aggregate classification (germline): Benign (1 of 4 stars; one submission).

Conditions:
Exudative vitreoretinopathy 1 (EVR1). Also called: FEVR, AUTOSOMAL DOMINANT; Familial exudative vitreoretinopathy, autosomal dominant; CRISWICK-SCHEPENS SYNDROME. Identifiers: Orphanet 891, Orphanet 90050, MedGen C1851402, MONDO:0007589, OMIM 133780.

Allele frequency attached by ClinVar (database versions not stated): 1000 Genomes Project 0.01058.

Submission:

Illumina Laboratory Services, Illumina
Classification: Benign for Exudative vitreoretinopathy 1. Last evaluated: 2018-01-13. Review status: criteria provided, single submitter. Criteria: ICSL Variant Classification Criteria 13 December 2019. Collection method: clinical testing. Allele origin: germline.
Comment: This variant was observed in the ICSL laboratory as part of a predisposition screen in an ostensibly healthy population. It had not been previously curated by ICSL or reported in the Human Gene Mutation Database (HGMD: prior to June 1st, 2018), and was therefore a candidate for classification through an automated scoring system. Utilizing variant allele frequency, disease prevalence and penetrance estimates, and inheritance mode, an automated score was calculated to assess if this variant is too frequent to cause the disease. Based on the score and internal cut-off values, a variant classified as benign is not then subjected to further curation. The score for this variant resulted in a classification of benign for this disease.

NM_012193.4(FZD4):c.*2960T>C

Genes: PRSS23 (serine protease 23; plus strand), FZD4 (frizzled class receptor 4; minus strand). Cytogenetic location: 11q14.2.
Variant type: single nucleotide variant.
Coding change: c.*2960T>C on transcript NM_012193.4 (MANE Select); 2960 bases downstream of the stop codon, T replaced by C.
Molecular consequence: 3 prime UTR variant.
Genome position (GRCh38, 1-based): chr11:86,948,182, A>G on the plus strand (T>C on the coding strand, the complement: FZD4 is on the minus strand). VCF-style: chr11-86948182-A-G. GRCh37 (hg19) VCF-style: chr11-86659224-A-G.
Identifiers: ClinVar variation 883185 (VCV000883185.4), dbSNP rs59987244, ClinGen allele CA225377539.